The following is an entry in ClinVar:

NM_004260.4(RECQL4):c.2724T>C (p.Leu908=)

Gene: RECQL4 (RecQ like helicase 4; minus strand). Cytogenetic location: 8q24.3.
Variant type: single nucleotide variant.
Coding change: c.2724T>C on transcript NM_004260.4 (MANE Select); coding-DNA position 2724, T replaced by C.
Protein change: p.Leu908=; no amino-acid change (leucine 908 retained).
Molecular consequence: synonymous variant.
Genome position (GRCh38, 1-based): chr8:144,512,878, A>G on the plus strand (T>C on the coding strand, the complement: RECQL4 is on the minus strand). VCF-style: chr8-144512878-A-G. GRCh37 (hg19) VCF-style: chr8-145738261-A-G.
Identifiers: ClinVar variation 239745 (VCV000239745.40), dbSNP rs368908286, ClinGen allele CA4948137.

ClinVar aggregate classification (germline): Benign/Likely benign. Review status: criteria provided, multiple submitters, no conflicts (2 of 4 stars). 6 submissions from 6 submitters: Benign (2); Likely benign (4). Last evaluated 2026-05-01.

Conditions:
Hereditary cancer-predisposing syndrome. Also called: Tumor predisposition; Hereditary Cancer Syndrome; Neoplastic Syndromes, Hereditary; Hereditary neoplastic syndrome. Identifiers: Orphanet 140162, MedGen C0027672, MeSH D009386, MONDO:0015356.
Baller-Gerold syndrome (BGS). Also called: CRANIOSYNOSTOSIS WITH RADIAL DEFECTS. Identifiers: Orphanet 1225, MedGen C0265308, MONDO:0009039, OMIM 218600.
Rapadilino syndrome. Identifiers: Orphanet 3021, MedGen C1849453, MONDO:0009955, OMIM 266280.

Allele frequency attached by ClinVar (database versions not stated): ESP Exome Variant Server 0.00008; gnomAD exomes 0.00015 and 0.00023; TOPMed 0.00020; ExAC 0.00026; 1000 Genomes Project 30x 0.00031; gnomAD 0.00033 and 0.00034.

Submissions (6):

CeGaT Center for Human Genetics Tuebingen
Classification: Likely benign. Last evaluated: 2026-05-01. Review status: criteria provided, single submitter. Criteria: CeGaT Center For Human Genetics Tuebingen Variant Classification Criteria Version 2. Collection method: clinical testing. Allele origin: germline. Affected: yes. Observed: 4 variant alleles.
Comment: RECQL4: BP4, BP7

Labcorp Genetics (formerly Invitae), Labcorp
Classification: Benign for Baller-Gerold syndrome. Last evaluated: 2026-01-27. Review status: criteria provided, single submitter. Criteria: Invitae Variant Classification Sherloc (09022015). Collection method: clinical testing. Allele origin: germline.

KCCC/NGS Laboratory, Kuwait Cancer Control Center
Classification: Benign for Rapadilino syndrome. Last evaluated: 2025-02-01. Review status: criteria provided, single submitter. Criteria: ACMG Guidelines, 2015. Collection method: clinical testing. Allele origin: germline. Affected: no.

Blueprint Genetics
Classification: Likely benign. Last evaluated: 2024-06-21. Review status: criteria provided, single submitter. Criteria: ACMG Guidelines, 2015. Collection method: clinical testing. Allele origin: germline.

Sema4
Classification: Likely benign for Hereditary cancer-predisposing syndrome. Last evaluated: 2021-11-10. Review status: criteria provided, single submitter. Criteria: Sema4 Curation Guidelines. Collection method: curation. Allele origin: germline.

Genetic Services Laboratory, University of Chicago
Classification: Likely benign. Last evaluated: 2021-07-30. Review status: criteria provided, single submitter. Criteria: ACMG Guidelines, 2015. Collection method: clinical testing. Allele origin: germline. Affected: no.